The following is an entry in ClinVar:

ClinVar aggregate classification (germline): Uncertain significance (1 of 4 stars; one submission).

Allele frequency attached by ClinVar (database versions not stated): gnomAD 0.00003; gnomAD exomes 0.00003; TOPMed 0.00003; ExAC 0.00005.
gnomAD v4.1: 22 of 1,549,930 alleles (0.0014%); highest among the groups gnomAD compares: Middle Eastern, 0.033%; no homozygotes.

Submission:

Labcorp Genetics (formerly Invitae), Labcorp
Classification: Uncertain significance. Last evaluated: 2022-09-13. Review status: criteria provided, single submitter. Criteria: Invitae Variant Classification Sherloc (09022015). Collection method: clinical testing. Allele origin: germline.
Comment: In summary, the available evidence is currently insufficient to determine the role of this variant in disease. Therefore, it has been classified as a Variant of Uncertain Significance. ClinVar contains an entry for this variant (Variation ID: 1481162). This sequence change replaces arginine, which is basic and polar, with glutamine, which is neutral and polar, at codon 77 of the LRTOMT protein (p.Arg77Gln). This variant is present in population databases (rs747695775, gnomAD 0.02%). This variant has not been reported in the literature in individuals affected with LRTOMT-related conditions. Advanced modeling of protein sequence and biophysical properties (such as structural, functional, and spatial information, amino acid conservation, physicochemical variation, residue mobility, and thermodynamic stability) performed at Invitae indicates that this missense variant is not expected to disrupt LRTOMT protein function. Algorithms developed to predict the effect of sequence changes on RNA splicing suggest that this variant may create or strengthen a splice site.

NM_001145308.5(LRTOMT):c.230G>A (p.Arg77Gln)

Genes: LRTOMT (leucine rich transmembrane and O-methyltransferase domain containing; plus strand), TOMT (transmembrane O-methyltransferase; plus strand). Cytogenetic location: 11q13.4.
Variant type: single nucleotide variant.
Coding change: c.230G>A on transcript NM_001145308.5; coding-DNA position 230, G replaced by A.
Protein change: p.Arg77Gln; replaces arginine 77 with glutamine.
Molecular consequence: missense variant.
Genome position (GRCh38, 1-based): chr11:72,106,082, G>A. VCF-style: chr11-72106082-G-A. GRCh37 (hg19) VCF-style: chr11-71817128-G-A.
Other names: c.131G>A, p.Arg44Gln (NM_001393500.2); c.230G>A, p.Arg77Gln (NM_001145309.4); c.110G>A, p.Arg37Gln (NM_001145310.4); short protein forms R44Q, R77Q, R37Q.
Identifiers: ClinVar variation 1481162 (VCV001481162.5), dbSNP rs747695775, ClinGen allele CA6168580.
Genomic context (GRCh38, chr11:72,106,082, plus strand): 5'-TCCGATTGCTGGTGCGCACGGTCTTGCTGCGAAGCCTCCGAGACTGCCTGTCAGGGCTGC[G>A]GATCGAGGAGCGGGCCTTCAGCTACGTGCTCACCCATGCCCTGCCCGGTGACCCTGGTCA-3'